The following is an entry in ClinVar:

NM_152703.5(SAMD9L):c.4258A>T (p.Ser1420Cys)

Gene: SAMD9L (sterile alpha motif domain containing 9 like; minus strand). Cytogenetic location: 7q21.2.
Variant type: single nucleotide variant.
Coding change: c.4258A>T on transcript NM_152703.5 (MANE Select); coding-DNA position 4258, A replaced by T.
Protein change: p.Ser1420Cys; replaces serine 1420 with cysteine.
Molecular consequence: missense variant.
Genome position (GRCh38, 1-based): chr7:93,131,714, T>A on the plus strand (A>T on the coding strand, the complement: SAMD9L is on the minus strand). VCF-style: chr7-93131714-T-A. GRCh37 (hg19) VCF-style: chr7-92761027-T-A.
Other names: c.4258A>T, p.Ser1420Cys (NM_001303496.3, NM_001303497.3, NM_001303498.3 and 5 more transcripts); short protein forms S1420C.
Identifiers: ClinVar variation 1957050 (VCV001957050.5), dbSNP rs2535404714, ClinGen allele CA368175101.
Genomic context (GRCh38, chr7:93,131,714, plus strand): 5'-CTTGATTTTCTGGCCAGAACAGGAGGCAGGCCAAGAAATAAGGACCTGGATATTGATGAC[T>A]TAGTCCTACAAATTGCAAGACCTCTCGGAGTTGTTTTTTTAGCGTGGTAAGTGGTTGAAT-3'
Protein context (NP_689916.2, residues 1410-1430): LREVLQFVGL[Ser1420Cys]HQYPGPYFLA

ClinVar aggregate classification (germline): Uncertain significance (1 of 4 stars; one submission).

Submission:

Labcorp Genetics (formerly Invitae), Labcorp
Classification: Uncertain significance. Last evaluated: 2024-01-25. Review status: criteria provided, single submitter. Criteria: Invitae Variant Classification Sherloc (09022015). Collection method: clinical testing. Allele origin: germline.
Comment: This sequence change replaces serine, which is neutral and polar, with cysteine, which is neutral and slightly polar, at codon 1420 of the SAMD9L protein (p.Ser1420Cys). This variant is not present in population databases (gnomAD no frequency). This variant has not been reported in the literature in individuals affected with SAMD9L-related conditions. ClinVar contains an entry for this variant (Variation ID: 1957050). Advanced modeling of protein sequence and biophysical properties (such as structural, functional, and spatial information, amino acid conservation, physicochemical variation, residue mobility, and thermodynamic stability) performed at Invitae indicates that this missense variant is not expected to disrupt SAMD9L protein function with a negative predictive value of 80%. In summary, the available evidence is currently insufficient to determine the role of this variant in disease. Therefore, it has been classified as a Variant of Uncertain Significance.